The following is an entry in ClinVar:

NM_001366385.1(CARD14):c.80G>A (p.Arg27His)

Gene: CARD14 (caspase recruitment domain family member 14; plus strand). Cytogenetic location: 17q25.3.
Variant type: single nucleotide variant.
Coding change: c.80G>A on transcript NM_001366385.1 (MANE Select); coding-DNA position 80, G replaced by A.
Protein change: p.Arg27His; replaces arginine 27 with histidine.
Molecular consequence: missense variant. On other transcripts: non-coding transcript variant (1).
Genome position (GRCh38, 1-based): chr17:80,181,518, G>A. VCF-style: chr17-80181518-G-A. GRCh37 (hg19) VCF-style: chr17-78155317-G-A.
Other names: c.80G>A, p.Arg27His (NM_001257970.1, NM_024110.4); short protein forms R27H.
Identifiers: ClinVar variation 963929 (VCV000963929.12), dbSNP rs963268943, ClinGen allele CA294905004.

ClinVar aggregate classification (germline): Uncertain significance. Review status: criteria provided, multiple submitters, no conflicts (2 of 4 stars). 3 submissions from 3 submitters: Uncertain significance (2). 1 of the submissions does not count toward it. Last evaluated 2024-11-11.

Conditions:
Psoriasis 2. Identifiers: MedGen C1864497, MONDO:0011269, OMIM 602723.
Pityriasis rubra pilaris (PRP). Also called: Pityriasis rubra pilaris--familial type. Identifiers: Orphanet 2897, MedGen C0032027, MONDO:0100017, OMIM 173200, MONDO:0008251.

Allele frequency attached by ClinVar (database versions not stated): gnomAD exomes 0.00002; gnomAD 0.00003; TOPMed 0.00003.

Submissions (3):

Labcorp Genetics (formerly Invitae), Labcorp
Classification: Uncertain significance for Pityriasis rubra pilaris; Psoriasis 2. Last evaluated: 2024-11-11. Review status: criteria provided, single submitter. Criteria: Invitae Variant Classification Sherloc (09022015). Collection method: clinical testing. Allele origin: germline.
Comment: This sequence change replaces arginine, which is basic and polar, with histidine, which is basic and polar, at codon 27 of the CARD14 protein (p.Arg27His). The frequency data for this variant in the population databases is considered unreliable, as metrics indicate poor data quality at this position in the gnomAD database. This variant has not been reported in the literature in individuals affected with CARD14-related conditions. ClinVar contains an entry for this variant (Variation ID: 963929). Invitae Evidence Modeling of protein sequence and biophysical properties (such as structural, functional, and spatial information, amino acid conservation, physicochemical variation, residue mobility, and thermodynamic stability) has been performed for this missense variant. However, the output from this modeling did not meet the statistical confidence thresholds required to predict the impact of this variant on CARD14 protein function. In summary, the available evidence is currently insufficient to determine the role of this variant in disease. Therefore, it has been classified as a Variant of Uncertain Significance.

Breakthrough Genomics
Classification: Uncertain significance. Review status: criteria provided, single submitter. Criteria: ACMG Guidelines, 2015. Collection method: not provided. Allele origin: germline. Inheritance: Autosomal dominant inheritance. Affected: yes.

Department of Pathology and Laboratory Medicine, Sinai Health System
Classification: Uncertain significance. Review status: no assertion criteria provided. Collection method: clinical testing. Allele origin: unknown. Affected: yes. Study: The Canadian Open Genetics Repository (COGR). Not counted in ClinVar's aggregate classification.
Comment: The CARD14 p.Arg27His variant was not identified in the literature nor was it identified in ClinVar or LOVD 3.0. The variant was identified in dbSNP (ID: rs963268943) and in control databases in 4 of 208356 chromosomes at a frequency of 0.0000192 (Genome Aggregation Database March 6, 2019, v2.1.1). The variant was observed in the following populations: European (Finnish) in 2 of 17700 chromosomes (freq: 0.000113) and European (non-Finnish) in 2 of 91380 chromosomes (freq: 0.000022), but was not observed in the African, Latino, Ashkenazi Jewish, East Asian, Other, or South Asian populations. The p.Arg27 residue is conserved in mammals and computational analyses (PolyPhen-2, SIFT, AlignGVGD, BLOSUM, MutationTaster) provide inconsistent predictions regarding the impact to the protein; this information is not very predictive of pathogenicity. The variant occurs outside of the splicing consensus sequence and in silico or computational prediction software programs (SpliceSiteFinder, MaxEntScan, NNSPLICE, GeneSplicer) do not predict a difference in splicing. In summary, based on the above information the clinical significance of this variant cannot be determined with certainty at this time. This variant is classified as a variant of uncertain significance.